The following is an entry in ClinVar:

ClinVar aggregate classification (germline): Benign/Likely benign. Review status: criteria provided, multiple submitters, no conflicts (2 of 4 stars). 5 submissions from 5 submitters: Benign (3); Likely benign (2). Last evaluated 2026-01-26.

Conditions:
Maple syrup urine disease (MSUD). Identifiers: Orphanet 511, MedGen C0024776, MeSH D008375, MONDO:0009563. Disease mechanism: loss of function.

Allele frequency attached by ClinVar (database versions not stated): gnomAD 0.00016 and 0.00035; TOPMed 0.00037; gnomAD exomes 0.00048 and 0.00082; ExAC 0.00091; 1000 Genomes Project 30x 0.00234; 1000 Genomes Project 0.00300.
gnomAD v4.1: 740 of 1,613,888 alleles (0.046%); highest among the groups gnomAD compares: East Asian, 1.6%; 11 homozygotes.

Submissions (5):

Labcorp Genetics (formerly Invitae), Labcorp
Classification: Benign for Maple syrup urine disease. Last evaluated: 2026-01-26. Review status: criteria provided, single submitter. Criteria: Invitae Variant Classification Sherloc (09022015). Collection method: clinical testing. Allele origin: germline.

Illumina Laboratory Services, Illumina
Classification: Benign for Maple syrup urine disease type 1A. Last evaluated: 2018-01-12. Review status: criteria provided, single submitter. Criteria: ICSL Variant Classification Criteria 13 December 2019. Collection method: clinical testing. Allele origin: germline.
Comment: This variant was observed in the ICSL laboratory as part of a predisposition screen in an ostensibly healthy population. It had not been previously curated by ICSL or reported in the Human Gene Mutation Database (HGMD: prior to June 1st, 2018), and was therefore a candidate for classification through an automated scoring system. Utilizing variant allele frequency, disease prevalence and penetrance estimates, and inheritance mode, an automated score was calculated to assess if this variant is too frequent to cause the disease. Based on the score and internal cut-off values, a variant classified as benign is not then subjected to further curation. The score for this variant resulted in a classification of benign for this disease.

GeneDx
Classification: Likely benign. Last evaluated: 2017-06-22. Review status: criteria provided, single submitter. Criteria: GeneDx Variant Classification (06012015). Collection method: clinical testing. Allele origin: germline. Affected: yes.
Comment: This variant is considered likely benign or benign based on one or more of the following criteria: it is a conservative change, it occurs at a poorly conserved position in the protein, it is predicted to be benign by multiple in silico algorithms, and/or has population frequency not consistent with disease.

Eurofins Ntd Llc (ga)
Classification: Benign. Last evaluated: 2015-10-02. Review status: criteria provided, single submitter. Criteria: EGL Classification Definitions 2015. Collection method: clinical testing. Allele origin: germline. Observed: 1 variant allele, 1 heterozygote.

Breakthrough Genomics
Classification: Likely benign. Review status: criteria provided, single submitter. Criteria: ACMG Guidelines, 2015. Collection method: not provided. Allele origin: germline. Inheritance: Autosomal recessive inheritance. Affected: yes.

NM_000709.4(BCKDHA):c.1211A>G (p.Asn404Ser)

Gene: BCKDHA (branched chain keto acid dehydrogenase E1 subunit alpha; plus strand). Cytogenetic location: 19q13.2.
Variant type: single nucleotide variant.
Coding change: c.1211A>G on transcript NM_000709.4 (MANE Select); coding-DNA position 1211, A replaced by G.
Protein change: p.Asn404Ser; replaces asparagine 404 with serine.
Molecular consequence: missense variant.
Genome position (GRCh38, 1-based): chr19:41,424,481, A>G. VCF-style: chr19-41424481-A-G. GRCh37 (hg19) VCF-style: chr19-41930386-A-G.
Other names: c.1208A>G, p.Asn403Ser (NM_001164783.2); short protein forms N404S, N403S.
Identifiers: ClinVar variation 283770 (VCV000283770.20), dbSNP rs148090804, ClinGen allele CA9461406.